The following is an entry in ClinVar:

ClinVar aggregate classification (germline): Conflicting classifications of pathogenicity. Review status: criteria provided, conflicting classifications (1 of 4 stars). 2 submissions from 2 submitters: Uncertain significance (1); Likely benign (1). Last evaluated 2026-04-06.

Conditions:
RYR1-related disorder. Also called: RYR1-related disorders; RYR1-related condition. Identifiers: MedGen CN239331.

Submissions (2):

Women's Health and Genetics/Laboratory Corporation of America, LabCorp
Classification: Uncertain significance. Last evaluated: 2026-04-06. Review status: criteria provided, single submitter. Criteria: LabCorp Variant Classification Summary - May 2015. Collection method: clinical testing. Allele origin: germline.
Comment: Variant summary: RYR1 c.3588C>T alters a non-conserved nucleotide resulting in a synonymous change. Several computational tools predict a significant impact on normal splicing: four predict the variant creates a cryptic, exonic 5' donor site, and two predict the variant weakens a nearby cryptic, exonic 5' donor site. However, these predictions have yet to be confirmed by functional studies. The frequency data for this variant in gnomAD is considered unreliable, as metrics indicate poor data quality at this position. To our knowledge, no occurrence of c.3588C>T in individuals affected with RYR1-related conditions and no experimental evidence demonstrating its impact on protein function have been reported. ClinVar contains an entry for this variant (Variation ID: 2143272). Based on the evidence outlined above, the variant was classified as uncertain significance.

Labcorp Genetics (formerly Invitae), Labcorp
Classification: Likely benign for RYR1-related disorder. Last evaluated: 2022-05-10. Review status: criteria provided, single submitter. Criteria: Invitae Variant Classification Sherloc (09022015). Collection method: clinical testing. Allele origin: germline.

NM_000540.3(RYR1):c.3588C>T (p.Gly1196=)

Gene: RYR1 (ryanodine receptor 1; plus strand). Cytogenetic location: 19q13.2.
Variant type: single nucleotide variant.
Coding change: c.3588C>T on transcript NM_000540.3 (MANE Select); coding-DNA position 3588, C replaced by T.
Protein change: p.Gly1196=; no amino-acid change (glycine 1196 retained).
Molecular consequence: synonymous variant.
Genome position (GRCh38, 1-based): chr19:38,469,336, C>T. VCF-style: chr19-38469336-C-T. GRCh37 (hg19) VCF-style: chr19-38959976-C-T.
Other names: c.3588C>T, p.Gly1196= (NM_001042723.2).
Identifiers: ClinVar variation 2143272 (VCV002143272.5), dbSNP rs1417659798, ClinGen allele CA507352951.